The following is an entry in ClinVar:

ClinVar aggregate classification (germline): Uncertain significance (1 of 4 stars; one submission).

Conditions:
Familial hemophagocytic lymphohistiocytosis 5. Also called: STXBP2-Related Familial Hemophagocytic Lymphohistiocytosis (STXBP2-fHLH). Identifiers: Orphanet 540, MedGen C2751293, MONDO:0013135, OMIM 613101.

Allele frequency attached by ClinVar (database versions not stated): gnomAD exomes below 0.00001.
gnomAD v4.1: 2 of 1,555,080 alleles (0.00013%); highest among the groups gnomAD compares: Non-Finnish European, 0.00017%; no homozygotes.

Submission:

Labcorp Genetics (formerly Invitae), Labcorp
Classification: Uncertain significance for Familial hemophagocytic lymphohistiocytosis 5. Last evaluated: 2022-08-15. Review status: criteria provided, single submitter. Criteria: Invitae Variant Classification Sherloc (09022015). Collection method: clinical testing. Allele origin: germline.
Comment: This sequence change replaces arginine, which is basic and polar, with histidine, which is basic and polar, at codon 190 of the STXBP2 protein (p.Arg190His). This variant is not present in population databases (gnomAD no frequency). This variant has not been reported in the literature in individuals affected with STXBP2-related conditions. ClinVar contains an entry for this variant (Variation ID: 834647). Algorithms developed to predict the effect of missense changes on protein structure and function are either unavailable or do not agree on the potential impact of this missense change (SIFT: "Deleterious"; PolyPhen-2: "Probably Damaging"; Align-GVGD: "Class C0"). In summary, the available evidence is currently insufficient to determine the role of this variant in disease. Therefore, it has been classified as a Variant of Uncertain Significance.

NM_006949.4(STXBP2):c.569G>A (p.Arg190His)

Gene: STXBP2 (syntaxin binding protein 2; plus strand). Cytogenetic location: 19p13.2.
Variant type: single nucleotide variant.
Coding change: c.569G>A on transcript NM_006949.4 (MANE Select); coding-DNA position 569, G replaced by A.
Protein change: p.Arg190His; replaces arginine 190 with histidine.
Molecular consequence: missense variant. On other transcripts: non-coding transcript variant (1).
Genome position (GRCh38, 1-based): chr19:7,641,844, G>A. VCF-style: chr19-7641844-G-A. GRCh37 (hg19) VCF-style: chr19-7706730-G-A.
Other names: c.560G>A, p.Arg187His (NM_001127396.3); c.602G>A, p.Arg201His (NM_001272034.2); short protein forms R201H, R187H, R190H.
Identifiers: ClinVar variation 834647 (VCV000834647.7), dbSNP rs1200494574, ClinGen allele CA403158495.